The following is an entry in ClinVar:

ClinVar aggregate classification (germline): Uncertain significance. Review status: criteria provided, multiple submitters, no conflicts (2 of 4 stars). 5 submissions from 5 submitters: Uncertain significance (5). Last evaluated 2025-01-25.

Conditions:
Hereditary cancer-predisposing syndrome. Also called: Tumor predisposition; Hereditary Cancer Syndrome; Hereditary neoplastic syndrome; Neoplastic Syndromes, Hereditary. Identifiers: Orphanet 140162, MedGen C0027672, MeSH D009386, MONDO:0015356.
POLD1-related polyposis and colorectal cancer syndrome (CRCS10). Also called: Colorectal cancer 10; COLORECTAL CANCER, SUSCEPTIBILITY TO, ON CHROMOSOME 19q; Colorectal cancer, susceptibility to, 10. Identifiers: Orphanet 220460, MedGen C2675481, MONDO:0012953, OMIM 612591.

Allele frequency attached by ClinVar (database versions not stated): gnomAD exomes below 0.00001; gnomAD 0.00001; TOPMed 0.00001; 1000 Genomes Project 30x 0.00016; 1000 Genomes Project 0.00020.
gnomAD v4.1: 8 of 1,613,976 alleles (0.0005%); highest among the groups gnomAD compares: Non-Finnish European, 0.00051%; no homozygotes.

Submissions (5):

Labcorp Genetics (formerly Invitae), Labcorp
Classification: Uncertain significance for POLD1-related polyposis and colorectal cancer syndrome. Last evaluated: 2025-01-25. Review status: criteria provided, single submitter. Criteria: Invitae Variant Classification Sherloc (09022015). Collection method: clinical testing. Allele origin: germline.
Comment: This sequence change replaces arginine, which is basic and polar, with glutamine, which is neutral and polar, at codon 444 of the POLD1 protein (p.Arg444Gln). This variant is not present in population databases (gnomAD no frequency). This missense change has been observed in individual(s) with colorectal cancer (PMID: 29120461). ClinVar contains an entry for this variant (Variation ID: 486061). Invitae Evidence Modeling of protein sequence and biophysical properties (such as structural, functional, and spatial information, amino acid conservation, physicochemical variation, residue mobility, and thermodynamic stability) indicates that this missense variant is expected to disrupt POLD1 protein function with a positive predictive value of 80%. In summary, the available evidence is currently insufficient to determine the role of this variant in disease. Therefore, it has been classified as a Variant of Uncertain Significance.

Ambry Genetics
Classification: Uncertain significance for Hereditary cancer-predisposing syndrome. Last evaluated: 2024-05-29. Review status: criteria provided, single submitter. Criteria: Ambry Variant Classification Scheme 2023. Collection method: clinical testing. Allele origin: germline.
Comment: The p.R444Q variant (also known as c.1331G>A), located in coding exon 10 of the POLD1 gene, results from a G to A substitution at nucleotide position 1331. The arginine at codon 444 is replaced by glutamine, an amino acid with highly similar properties. This alteration has been identified in a cohort of individuals with colorectal cancer (Buchanan DD et al. Genet Med 2018 08;20(8):890-895). This amino acid position is highly conserved in available vertebrate species. In addition, the in silico prediction for this alteration is inconclusive. Since supporting evidence is limited at this time, the clinical significance of this alteration remains unclear.

GeneDx
Classification: Uncertain significance. Last evaluated: 2024-03-28. Review status: criteria provided, single submitter. Criteria: GeneDx Variant Classification Process June 2021. Collection method: clinical testing. Allele origin: germline. Affected: yes.
Comment: Not observed at significant frequency in large population cohorts (gnomAD); In silico analysis supports that this missense variant has a deleterious effect on protein structure/function; Observed in a patient with colorectal cancer (PMID: 29120461); This variant is associated with the following publications: (PMID: 20951805, 35620275, 29120461)

Baylor Genetics
Classification: Uncertain significance for POLD1-related polyposis and colorectal cancer syndrome. Last evaluated: 2023-10-10. Review status: criteria provided, single submitter. Criteria: ACMG Guidelines, 2015. Collection method: clinical testing. Allele origin: unknown.

Quest Diagnostics Nichols Institute San Juan Capistrano
Classification: Uncertain significance. Last evaluated: 2023-02-09. Review status: criteria provided, single submitter. Criteria: Quest Diagnostics criteria. Collection method: clinical testing. Allele origin: unknown.
Comment: The frequency of this variant in the general population, 0.0000088 (1/113666 chromosomes), is uninformative in assessment of its pathogenicity. In the published literature, the variant has been reported in an individual with colorectal cancer (PMID: 29120461 (2018)). Analysis of this variant using bioinformatics tools for the prediction of the effect of amino acid changes on protein structure and function yielded predictions that this variant is damaging. Based on the available information, we are unable to determine the clinical significance of this variant.

Literature cited by the submitters: PubMed 29120461 (cited by Labcorp Genetics (formerly Invitae), Labcorp and Quest Diagnostics Nichols Institute San Juan Capistrano); PubMed 29056344 (cited by Quest Diagnostics Nichols Institute San Juan Capistrano).

NM_002691.4(POLD1):c.1331G>A (p.Arg444Gln)

Gene: POLD1 (DNA polymerase delta 1, catalytic subunit; plus strand). Cytogenetic location: 19q13.33.
Variant type: single nucleotide variant.
Coding change: c.1331G>A on transcript NM_002691.4 (MANE Select); coding-DNA position 1331, G replaced by A.
Protein change: p.Arg444Gln; replaces arginine 444 with glutamine.
Molecular consequence: missense variant. On other transcripts: non-coding transcript variant (1).
Genome position (GRCh38, 1-based): chr19:50,406,270, G>A. VCF-style: chr19-50406270-G-A. GRCh37 (hg19) VCF-style: chr19-50909527-G-A.
Other names: c.1331G>A, p.Arg444Gln (NM_001256849.1, NM_001308632.1); short protein forms R444Q.
Identifiers: ClinVar variation 486061 (VCV000486061.19), dbSNP rs201503929, ClinGen allele CA309601753.
Genomic context (GRCh38, chr19:50,406,270, plus strand): 5'-TGGCCGGCCTTTGCTCCAACATCCGGGACTCTTCATTCCAGTCCAAGCAGACGGGCCGGC[G>A]GGACACCAAGGTTGTCAGCATGGTGGGCCGCGTGCAGATGGACATGCTGCAGGTATGGGC-3'
Protein context (NP_002682.2, residues 434-454): SSFQSKQTGR[Arg444Gln]DTKVVSMVGR